The following is an entry in ClinVar:

NC_000022.10:g.(?_19744225)_(19754856_?)del

Gene: TBX1 (T-box transcription factor 1; plus strand). Cytogenetic location: 22q11.21.
Variant type: Deletion.
Identifiers: ClinVar variation 4853559 (VCV004853559.1).

ClinVar aggregate classification (germline): Pathogenic (1 of 4 stars; one submission).

Conditions:
TBX1-related disorder. Also called: TBX1-related condition; TBX1-Related Disorders.

Submission:

Women's Health and Genetics/Laboratory Corporation of America, LabCorp
Classification: Pathogenic for TBX1-Related Disorders. Last evaluated: 2026-05-05. Review status: criteria provided, single submitter. Criteria: LabCorp Variant Classification Summary - May 2015. Collection method: clinical testing. Allele origin: germline.
Comment: Variant summary: The variant involves the deletion of exons 1-9 in the TBX1 gene. A presumed nomenclature of c.(?_-130)_(*466_?)del has been designated for the purposes of this classification. This deletion includes the entire coding sequence of the gene. As the exact proximal and distal breakpoints are unknown, it may extend beyond the annotated region of the gene to include other flanking genes. Loss-of-function variants in this gene are known to be pathogenic. The variant was absent in 21692 control chromosomes. c.(?_-130)_(*466_?)del has been observed in individuals affected with primary immunodeficiencies (example: Fusaro_2020, Perez_2024). To our knowledge, no experimental evidence demonstrating an impact on protein function has been reported. The following publications have been ascertained in the context of this evaluation (PMID: 32531373, 38440843). ClinVar contains an entry for this variant (Variation ID: 640457). Based on the evidence outlined above, the variant was classified as pathogenic.

Literature cited by the submitters: PubMed 32531373; PubMed 38440843.